The following is an entry in ClinVar:

ClinVar aggregate classification (germline): Uncertain significance (1 of 4 stars; one submission).

Submission:

Labcorp Genetics (formerly Invitae), Labcorp
Classification: Uncertain significance. Last evaluated: 2025-02-14. Review status: criteria provided, single submitter. Criteria: Invitae Variant Classification Sherloc (09022015). Collection method: clinical testing. Allele origin: germline.
Comment: This sequence change creates a premature translational stop signal (p.Val1032Trpfs*5) in the ALPK1 gene. It is expected to result in an absent or disrupted protein product. However, the current clinical and genetic evidence is not sufficient to establish whether loss-of-function variants in ALPK1 cause disease. This variant is present in population databases (rs778263117, gnomAD 0.02%). This variant has not been reported in the literature in individuals affected with ALPK1-related conditions. In summary, the available evidence is currently insufficient to determine the role of this variant in disease. Therefore, it has been classified as a Variant of Uncertain Significance.

NM_025144.4(ALPK1):c.3094_3100del (p.Val1032fs)

Gene: ALPK1 (alpha kinase 1; plus strand). Cytogenetic location: 4q25.
Variant type: Deletion.
Coding change: c.3094_3100del on transcript NM_025144.4 (MANE Select); coding-DNA positions 3094 to 3100, 7 bases deleted (GTCTATT; older notation c.3094_3100delGTCTATT).
Protein change: p.Val1032fs; shifts the reading frame from valine 1032.
Molecular consequence: frameshift variant.
Genome position (GRCh38, 1-based): chr4:112,435,207-112,435,213, GTCTATT deleted; deleting any 7 consecutive bases within chr4:112,435,202-112,435,213 gives the same sequence; the c. name uses the placement nearest the transcript's 3' end. VCF-style (leftmost placement, unchanged base first): chr4-112435201-ACTATTGT-A. GRCh37 (hg19) VCF-style: chr4-113356357-ACTATTGT-A.
Other names: c.3094_3100del, p.Val1032fs (NM_001102406.2); c.2860_2866del, p.Val954fs (NM_001253884.2); short protein forms V1032fs, V954fs.
Identifiers: ClinVar variation 3626686 (VCV003626686.2).